The following is an entry in ClinVar:

NM_000135.4(FANCA):c.1378C>T (p.Arg460Ter)

Gene: FANCA (FA complementation group A; minus strand). Cytogenetic location: 16q24.3.
Variant type: single nucleotide variant.
Coding change: c.1378C>T on transcript NM_000135.4 (MANE Select); coding-DNA position 1378, C replaced by T.
Protein change: p.Arg460Ter; replaces arginine 460 with a stop codon.
Molecular consequence: nonsense.
Genome position (GRCh38, 1-based): chr16:89,784,946, G>A on the plus strand (C>T on the coding strand, the complement: FANCA is on the minus strand). VCF-style: chr16-89784946-G-A. GRCh37 (hg19) VCF-style: chr16-89851354-G-A.
Other names: c.1378C>T (LRG_495t1); c.1378C>T, p.Arg460Ter (NM_001286167.3); short protein forms R460*.
Identifiers: ClinVar variation 552305 (VCV000552305.15), dbSNP rs1438828232, ClinGen allele CA397460165.

ClinVar aggregate classification (germline): Pathogenic. Review status: criteria provided, multiple submitters, no conflicts (2 of 4 stars). 5 submissions from 5 submitters: Pathogenic (4). 1 of the submissions does not count toward it. Last evaluated 2023-12-28.

Conditions:
Fanconi anemia complementation group A (FANCA). Also called: Fanconi anemia, group A; FANCA-Related Fanconi Anemia. Identifiers: Orphanet 84, MedGen C3469521, MONDO:0009215, OMIM 227650.
Fanconi anemia (FA). Also called: Fanconi's anemia. Identifiers: Orphanet 84, MedGen C0015625, MeSH D005199, MONDO:0019391.

Allele frequency attached by ClinVar (database versions not stated): gnomAD exomes below 0.00001; TOPMed below 0.00001.
gnomAD v4.1: 2 of 1,613,888 alleles (0.00012%); highest among the groups gnomAD compares: Non-Finnish European, 0.00017%; no homozygotes.

Submissions (5):

Fulgent Genetics
Classification: Pathogenic for Fanconi anemia complementation group A. Last evaluated: 2023-12-28. Review status: criteria provided, single submitter. Criteria: ACMG Guidelines, 2015. Collection method: clinical testing. Allele origin: germline.

Labcorp Genetics (formerly Invitae), Labcorp
Classification: Pathogenic for Fanconi anemia. Last evaluated: 2023-08-02. Review status: criteria provided, single submitter. Criteria: Invitae Variant Classification Sherloc (09022015). Collection method: clinical testing. Allele origin: germline.
Comment: This sequence change creates a premature translational stop signal (p.Arg460*) in the FANCA gene. It is expected to result in an absent or disrupted protein product. Loss-of-function variants in FANCA are known to be pathogenic (PMID: 19367192). This variant is present in population databases (no rsID available, gnomAD 0.0009%). This premature translational stop signal has been observed in individual(s) with FANCA-related conditions (PMID: 22778927, 23613520). ClinVar contains an entry for this variant (Variation ID: 552305). For these reasons, this variant has been classified as Pathogenic.

Baylor Genetics
Classification: Pathogenic for Fanconi anemia complementation group A. Last evaluated: 2022-12-10. Review status: criteria provided, single submitter. Criteria: ACMG Guidelines, 2015. Collection method: clinical testing. Allele origin: unknown.

Revvity Omics, Revvity
Classification: Pathogenic for Fanconi anemia complementation group A. Last evaluated: 2020-02-13. Review status: criteria provided, single submitter. Criteria: ACMG Guidelines, 2015. Collection method: clinical testing. Allele origin: germline.

Counsyl
Classification: Pathogenic for Fanconi anemia complementation group A. Last evaluated: 2017-06-02. Review status: no assertion criteria provided. Collection method: clinical testing. Allele origin: unknown. Not counted in ClinVar's aggregate classification.

Literature cited by the submitters: PubMed 19367192 (cited by Labcorp Genetics (formerly Invitae), Labcorp); PubMed 22778927 (cited by Labcorp Genetics (formerly Invitae), Labcorp and Counsyl); PubMed 23613520 (cited by Labcorp Genetics (formerly Invitae), Labcorp and Counsyl).